The following is an entry in ClinVar:

ClinVar aggregate classification (germline): Uncertain significance. Review status: criteria provided, multiple submitters, no conflicts (2 of 4 stars). 2 submissions from 2 submitters: Uncertain significance (2). Last evaluated 2024-01-17.

Conditions:
RYR1-related disorder. Also called: RYR1-related condition; RYR1-related disorders. Identifiers: MedGen CN239331.

Submissions (2):

GeneDx
Classification: Uncertain significance. Last evaluated: 2024-01-17. Review status: criteria provided, single submitter. Criteria: GeneDx Variant Classification Process June 2021. Collection method: clinical testing. Allele origin: germline. Affected: yes.
Comment: In silico analysis supports that this missense variant has a deleterious effect on protein structure/function; Not observed in large population cohorts (gnomAD); Has not been previously published as pathogenic or benign to our knowledge; This variant is associated with the following publications: (PMID: 20681998, 33767344, 22473935)

Labcorp Genetics (formerly Invitae), Labcorp
Classification: Uncertain significance for RYR1-related disorder. Last evaluated: 2022-07-26. Review status: criteria provided, single submitter. Criteria: Invitae Variant Classification Sherloc (09022015). Collection method: clinical testing. Allele origin: germline.
Comment: This sequence change replaces arginine, which is basic and polar, with glycine, which is neutral and non-polar, at codon 4645 of the RYR1 protein (p.Arg4645Gly). This variant is not present in population databases (gnomAD no frequency). This variant has not been reported in the literature in individuals affected with RYR1-related conditions. ClinVar contains an entry for this variant (Variation ID: 1391007). Advanced modeling of protein sequence and biophysical properties (such as structural, functional, and spatial information, amino acid conservation, physicochemical variation, residue mobility, and thermodynamic stability) performed at Invitae indicates that this missense variant is expected to disrupt RYR1 protein function. In summary, the available evidence is currently insufficient to determine the role of this variant in disease. Therefore, it has been classified as a Variant of Uncertain Significance.

NM_000540.3(RYR1):c.13933C>G (p.Arg4645Gly)

Gene: RYR1 (ryanodine receptor 1; plus strand). Cytogenetic location: 19q13.2.
Variant type: single nucleotide variant.
Coding change: c.13933C>G on transcript NM_000540.3 (MANE Select); coding-DNA position 13933, C replaced by G.
Protein change: p.Arg4645Gly; replaces arginine 4645 with glycine.
Molecular consequence: missense variant.
Genome position (GRCh38, 1-based): chr19:38,572,205, C>G. VCF-style: chr19-38572205-C-G. GRCh37 (hg19) VCF-style: chr19-39062845-C-G.
Other names: c.13918C>G, p.Arg4640Gly (NM_001042723.2); c.13933C>G (NM_000540.2); short protein forms R4645G, R4640G.
Identifiers: ClinVar variation 1391007 (VCV001391007.9), dbSNP rs377667641, ClinGen allele CA405681191.
Genomic context (GRCh38, chr19:38,572,205, plus strand): 5'-GATGAGAACATGGTGTACTACTTCCTGGAGGAAAGCACAGGCTACATGGAACCCGCCCTG[C>G]GGTGTCTGAGCCTCCTGCATACACTGGTGGCCTTTCTCTGCATCATTGGCTATAATTGTC-3'
Protein context (NP_000531.2, residues 4635-4655): ESTGYMEPAL[Arg4645Gly]CLSLLHTLVA